The following is an entry in ClinVar:

NM_000237.3(LPL):c.592C>T (p.Leu198Phe)

Gene: LPL (lipoprotein lipase; plus strand). Cytogenetic location: 8p21.3.
Variant type: single nucleotide variant.
Coding change: c.592C>T on transcript NM_000237.3 (MANE Select); coding-DNA position 592, C replaced by T.
Protein change: p.Leu198Phe; replaces leucine 198 with phenylalanine.
Molecular consequence: missense variant.
Genome position (GRCh38, 1-based): chr8:19,954,170, C>T. VCF-style: chr8-19954170-C-T. GRCh37 (hg19) VCF-style: chr8-19811681-C-T.
Other names: short protein forms L198F.
Identifiers: ClinVar variation 1750551 (VCV001750551.2), dbSNP rs2128838162, ClinGen allele CA370468359.
Genomic context (GRCh38, chr8:19,954,170, plus strand): 5'-CCCTTTTAAGGCCTCGATCCAGCTGGACCTAACTTTGAGTATGCAGAAGCCCCGAGTCGT[C>T]TTTCTCCTGATGATGCAGATTTTGTAGACGTCTTACACACATTCACCAGAGGGTCCCCTG-3'
Protein context (NP_000228.1, residues 188-208): NFEYAEAPSR[Leu198Phe]SPDDADFVDV

ClinVar aggregate classification (germline): Uncertain significance (1 of 4 stars; one submission).

Conditions:
Cardiovascular phenotype. Identifiers: MedGen CN230736.

Allele frequency attached by ClinVar (database versions not stated): gnomAD exomes below 0.00001.

Submission:

Ambry Genetics
Classification: Uncertain significance for Cardiovascular phenotype. Last evaluated: 2022-05-24. Review status: criteria provided, single submitter. Criteria: Ambry Variant Classification Scheme 2023. Collection method: clinical testing. Allele origin: germline.
Comment: The p.L198F variant (also known as c.592C>T), located in coding exon 5 of the LPL gene, results from a C to T substitution at nucleotide position 592. The leucine at codon 198 is replaced by phenylalanine, an amino acid with highly similar properties. This amino acid position is conserved. In addition, this alteration is predicted to be deleterious by in silico analysis. Since supporting evidence is limited at this time, the clinical significance of this alteration remains unclear.